The following is an entry in ClinVar:

ClinVar aggregate classification (germline): Likely pathogenic. Review status: criteria provided, multiple submitters, no conflicts (2 of 4 stars). 2 submissions from 2 submitters: Likely pathogenic (2). Last evaluated 2025-12-05.

Conditions:
Hereditary spastic paraplegia 4. Also called: Spastic Paraplegia 4; Spastic paraplegia 4, autosomal dominant; Familial spastic paraplegia autosomal dominant 2. Identifiers: Orphanet 100985, MedGen C1866855, MONDO:0008438, OMIM 182601.
SPAST-related disorder. Also called: SPAST-related condition.

Submissions (2):

3billion
Classification: Likely pathogenic for Hereditary spastic paraplegia 4. Last evaluated: 2025-12-05. Review status: criteria provided, single submitter. Criteria: ACMG Guidelines, 2015. Collection method: clinical testing. Allele origin: germline. Affected: yes.
Comment: The variant is not observed in the gnomAD v4.1.0 dataset. Predicted Consequence/Location: Canonical splice site: predicted to alter splicing and result in a loss or disruption of normal protein function. Multiple pathogenic loss-of-function variants are reported downstream of the variant. In silico tools predict the variant to alter splicing and produce an abnormal transcript [SpliceAI: 0.99 (spliceogenicity >=0.2, non-spliceogenicity <0.1)]. Therefore, this variant is classified as Likely pathogenic according to the recommendation of ACMG/AMP guideline.

Blueprint Genetics
Classification: Likely pathogenic for SPAST-related disorders. Last evaluated: 2019-03-27. Review status: criteria provided, single submitter. Criteria: ACMG Guidelines, 2015. Collection method: clinical testing. Allele origin: germline. Affected: yes. Observed: 1 variant allele.

NM_014946.4(SPAST):c.415+2T>G

Gene: SPAST (spastin; plus strand). Cytogenetic location: 2p22.3.
Variant type: single nucleotide variant.
Coding change: c.415+2T>G on transcript NM_014946.4 (MANE Select); the canonical splice donor site of the intron after coding-DNA position 415, T replaced by G.
Molecular consequence: splice donor variant.
Genome position (GRCh38, 1-based): chr2:32,064,248, T>G. VCF-style: chr2-32064248-T-G. GRCh37 (hg19) VCF-style: chr2-32289317-T-G.
Other names: c.415+2T>G (NM_199436.2, NM_001377959.1, NM_001363823.2 and 1 more transcripts).
Identifiers: ClinVar variation 4854478 (VCV004854478.2).